The following is an entry in ClinVar:

ClinVar aggregate classification (germline): Conflicting classifications of pathogenicity. Review status: criteria provided, conflicting classifications (1 of 4 stars). 3 submissions from 3 submitters: Uncertain significance (2); Likely benign (1). Last evaluated 2023-04-01.

Conditions:
PMM2-congenital disorder of glycosylation. Also called: CDG Ia; PHOSPHOMANNOMUTASE 2 DEFICIENCY; CARBOHYDRATE-DEFICIENT GLYCOPROTEIN SYNDROME, TYPE Ia; PMM2-CDG; JAEKEN SYNDROME; Congenital disorder of glycosylation, type Ia. Identifiers: Orphanet 79318, MedGen C0349653, MONDO:0008907, OMIM 212065.

Allele frequency attached by ClinVar (database versions not stated): 1000 Genomes Project 0.00280; 1000 Genomes Project 30x 0.00312; TOPMed 0.00474; gnomAD exomes 0.00526; gnomAD 0.00564 and 0.00580.
gnomAD v4.1: 1,462 of 265,138 alleles (0.55%); highest among the groups gnomAD compares: Non-Finnish European, 0.7%; 10 homozygotes.

Submissions (3):

CeGaT Center for Human Genetics Tuebingen
Classification: Likely benign. Last evaluated: 2023-04-01. Review status: criteria provided, single submitter. Criteria: CeGaT Center For Human Genetics Tuebingen Variant Classification Criteria Version 2. Collection method: clinical testing. Allele origin: germline. Affected: yes. Observed: 4 variant alleles.
Comment: PMM2: BS2

Illumina Laboratory Services, Illumina
Classification: Uncertain significance for PMM2-congenital disorder of glycosylation. Last evaluated: 2018-01-12. Review status: criteria provided, single submitter. Criteria: ICSL Variant Classification Criteria 13 December 2019. Collection method: clinical testing. Allele origin: germline.

Breakthrough Genomics
Classification: Uncertain significance. Review status: criteria provided, single submitter. Criteria: ACMG Guidelines, 2015. Collection method: not provided. Allele origin: germline. Inheritance: Autosomal recessive inheritance. Affected: yes.

NM_000303.3(PMM2):c.*368C>G

Gene: PMM2 (phosphomannomutase 2; plus strand). Cytogenetic location: 16p13.2.
Variant type: single nucleotide variant.
Coding change: c.*368C>G on transcript NM_000303.3 (MANE Select); 368 bases downstream of the stop codon, C replaced by G.
Molecular consequence: 3 prime UTR variant.
Genome position (GRCh38, 1-based): chr16:8,848,193, C>G. VCF-style: chr16-8848193-C-G. GRCh37 (hg19) VCF-style: chr16-8942050-C-G.
Identifiers: ClinVar variation 321236 (VCV000321236.30), dbSNP rs72766379, ClinGen allele CA10644528.